The following is an entry in ClinVar:

ClinVar aggregate classification (germline): Uncertain significance. Review status: criteria provided, multiple submitters, no conflicts (2 of 4 stars). 2 submissions from 2 submitters: Uncertain significance (2). Last evaluated 2025-05-13.

Conditions:
Pseudohypoaldosteronism type 2D (PHA2D). Also called: FAMILIAL HYPERKALEMIC HYPERTENSION; PSEUDOHYPOALDOSTERONISM, TYPE IID, AUTOSOMAL DOMINANT OR RECESSIVE; Pseudohypoaldosteronism Type IID. Identifiers: Orphanet 300525, Orphanet 757, MedGen C3469605, MONDO:0013781, OMIM 614495.

gnomAD v4.1: 1 of 1,614,034 alleles (0.000062%); highest among the groups gnomAD compares: Admixed American, 0.0017%; no homozygotes.

Submissions (2):

Labcorp Genetics (formerly Invitae), Labcorp
Classification: Uncertain significance. Last evaluated: 2025-05-13. Review status: criteria provided, single submitter. Criteria: Invitae Variant Classification Sherloc (09022015). Collection method: clinical testing. Allele origin: germline.
Comment: This sequence change affects codon 5 of the KLHL3 mRNA. It is a 'silent' change, meaning that it does not change the encoded amino acid sequence of the KLHL3 protein. It affects a nucleotide within the consensus splice site. This variant is present in population databases (rs756902174, gnomAD 0.003%). This variant has not been reported in the literature in individuals affected with KLHL3-related conditions. ClinVar contains an entry for this variant (Variation ID: 3591754). Algorithms developed to predict the effect of sequence changes on RNA splicing suggest that this variant is not likely to affect RNA splicing. In summary, the available evidence is currently insufficient to determine the role of this variant in disease. Therefore, it has been classified as a Variant of Uncertain Significance.

Fulgent Genetics
Classification: Uncertain significance for Pseudohypoaldosteronism type 2D. Last evaluated: 2024-02-20. Review status: criteria provided, single submitter. Criteria: ACMG Guidelines, 2015. Collection method: clinical testing. Allele origin: germline.

NM_017415.3(KLHL3):c.15T>C (p.Ser5=)

Gene: KLHL3 (kelch like family member 3; minus strand). Cytogenetic location: 5q31.2.
Variant type: single nucleotide variant.
Coding change: c.15T>C on transcript NM_017415.3 (MANE Select); coding-DNA position 15, T replaced by C.
Protein change: p.Ser5=; no amino-acid change (serine 5 retained).
Molecular consequence: synonymous variant. On other transcripts: 5 prime UTR variant (1).
Genome position (GRCh38, 1-based): chr5:137,720,584, A>G on the plus strand (T>C on the coding strand, the complement: KLHL3 is on the minus strand). VCF-style: chr5-137720584-A-G. GRCh37 (hg19) VCF-style: chr5-137056273-A-G.
Other names: c.-82T>C (NM_001257194.1).
Identifiers: ClinVar variation 3591754 (VCV003591754.2).